The following is an entry in ClinVar:

ClinVar aggregate classification (germline): Likely benign (1 of 4 stars; one submission).

Allele frequency attached by ClinVar (database versions not stated): gnomAD exomes below 0.00001; TOPMed below 0.00001.
gnomAD v4.1: 1 of 1,612,780 alleles (0.000062%); highest among the groups gnomAD compares: Non-Finnish European, 0.000085%; no homozygotes.

Submission:

CeGaT Center for Human Genetics Tuebingen
Classification: Likely benign. Last evaluated: 2023-08-01. Review status: criteria provided, single submitter. Criteria: CeGaT Center For Human Genetics Tuebingen Variant Classification Criteria Version 2. Collection method: clinical testing. Allele origin: germline. Affected: yes. Observed: 1 variant allele.
Comment: AFG3L2: PM2:Supporting, BP4, BP7

NM_006796.3(AFG3L2):c.763C>T (p.Leu255=)

Gene: AFG3L2 (AFG3 like matrix AAA peptidase subunit 2; minus strand). Cytogenetic location: 18p11.21.
Variant type: single nucleotide variant.
Coding change: c.763C>T on transcript NM_006796.3 (MANE Select); coding-DNA position 763, C replaced by T.
Protein change: p.Leu255=; no amino-acid change (leucine 255 retained).
Molecular consequence: synonymous variant.
Genome position (GRCh38, 1-based): chr18:12,358,933, G>A on the plus strand (C>T on the coding strand, the complement: AFG3L2 is on the minus strand). VCF-style: chr18-12358933-G-A. GRCh37 (hg19) VCF-style: chr18-12358932-G-A.
Identifiers: ClinVar variation 2648597 (VCV002648597.24), dbSNP rs1908575756, ClinGen allele CA503245093.
Genomic context (GRCh38, chr18:12,358,933, plus strand): 5'-GCCCTCTTCTGATGGTGTAGAGCAAGAAGGCGATGATGAGCACCGTAGGCAGCATGCTCA[G>A]CAGAAAAGAGCTGGGGACACACAGCGCAACACGGGTTAGGACTGGCTGCTCACCTCCAGC-3'
Protein context (NP_006787.2, residues 245-265): YIAESDGSFL[Leu255=]SMLPTVLIIA